The following is an entry in ClinVar:

ClinVar aggregate classification (germline): Likely benign. Review status: criteria provided, single submitter (1 of 4 stars). 2 submissions from 2 submitters: Likely benign (1). 1 of the submissions does not count toward it.

Conditions:
SCARA3-related disorder. Also called: SCARA3-related condition.

Allele frequency attached by ClinVar (database versions not stated): TOPMed 0.00102; gnomAD 0.00106; 1000 Genomes Project 30x 0.00141; ESP Exome Variant Server 0.00077; 1000 Genomes Project 0.00160; gnomAD exomes 0.00009; ExAC 0.00029.
gnomAD v4.1: 283 of 1,584,668 alleles (0.018%); highest among the groups gnomAD compares: African/African-American, 0.32%; no homozygotes.

Submissions (2):

Breakthrough Genomics
Classification: Likely benign. Review status: criteria provided, single submitter. Criteria: ACMG Guidelines, 2015. Collection method: not provided. Allele origin: germline. Inheritance: Unknown mechanism. Affected: yes.

PreventionGenetics, part of Exact Sciences
Classification: Likely benign for SCARA3-related condition. Last evaluated: 2023-04-08. Review status: no assertion criteria provided. Collection method: clinical testing. Allele origin: germline. Not counted in ClinVar's aggregate classification.
Comment: This variant is classified as likely benign based on ACMG/AMP sequence variant interpretation guidelines (Richards et al. 2015 PMID: 25741868, with internal and published modifications).

NM_182826.2(SCARA3):c.1388A>G (p.His463Arg)

Gene: SCARA3 (scavenger receptor class A member 3; plus strand). Cytogenetic location: 8p21.1.
Variant type: single nucleotide variant.
Coding change: c.1388A>G on transcript NM_182826.2; coding-DNA position 1388, A replaced by G.
Protein change: p.His463Arg; replaces histidine 463 with arginine.
Molecular consequence: missense variant.
Genome position (GRCh38, 1-based): chr8:27,676,587, A>G. VCF-style: chr8-27676587-A-G. GRCh37 (hg19) VCF-style: chr8-27534104-A-G.
Other names: short protein forms H463R.
Identifiers: ClinVar variation 3048966 (VCV003048966.3), dbSNP rs142811475, ClinGen allele CA4691739.